The following is an entry in ClinVar:

ClinVar aggregate classification (germline): Benign/Likely benign. Review status: criteria provided, multiple submitters, no conflicts (2 of 4 stars). 9 submissions from 8 submitters: Benign (8); Likely benign (1). Last evaluated 2026-05-08.

Conditions:
Ellis-van Creveld syndrome (EVC). Also called: Chondroectodermal dysplasia; MESOECTODERMAL DYSPLASIA. Identifiers: Orphanet 289, MedGen C0013903, MONDO:0009162, OMIM 225500.
Curry-Hall syndrome (WAD). Also called: WEYERS ACRODENTAL DYSOSTOSIS. Identifiers: Orphanet 952, MedGen C0457013, MONDO:0008673, OMIM 193530.

Allele frequency attached by ClinVar (database versions not stated): ESP Exome Variant Server 0.21090; gnomAD 0.21710 and 0.22179; TOPMed 0.22200; gnomAD exomes 0.22564 and 0.23933; ExAC 0.23666; 1000 Genomes Project 30x 0.25453; 1000 Genomes Project 0.26518.
gnomAD v4.1: 363,733 of 1,613,956 alleles (23%); highest among the groups gnomAD compares: East Asian, 35%; 41,951 homozygotes.

Submissions (9):

Women's Health and Genetics/Laboratory Corporation of America, LabCorp
Classification: Likely benign. Last evaluated: 2026-05-08. Review status: criteria provided, single submitter. Criteria: LabCorp Variant Classification Summary - May 2015. Collection method: clinical testing. Allele origin: germline.

Labcorp Genetics (formerly Invitae), Labcorp
Classification: Benign for Curry-Hall syndrome; Ellis-van Creveld syndrome. Last evaluated: 2026-02-04. Review status: criteria provided, single submitter. Criteria: Invitae Variant Classification Sherloc (09022015). Collection method: clinical testing. Allele origin: germline.

Blueprint Genetics
Classification: Benign. Last evaluated: 2024-11-26. Review status: criteria provided, single submitter. Criteria: ACMG Guidelines, 2015. Collection method: clinical testing. Allele origin: germline.

Genome-Nilou Lab
Classification: Benign for Curry-Hall syndrome. Last evaluated: 2021-07-30. Review status: criteria provided, single submitter. Criteria: ACMG Guidelines, 2015. Collection method: clinical testing. Allele origin: germline. Affected: no.

Genome-Nilou Lab
Classification: Benign for Ellis-van Creveld syndrome. Last evaluated: 2021-07-30. Review status: criteria provided, single submitter. Criteria: ACMG Guidelines, 2015. Collection method: clinical testing. Allele origin: germline. Affected: no.

Illumina Laboratory Services, Illumina
Classification: Benign for Ellis-van Creveld syndrome. Last evaluated: 2018-01-12. Review status: criteria provided, single submitter. Criteria: ICSL Variant Classification Criteria 13 December 2019. Collection method: clinical testing. Allele origin: germline.
Comment: This variant was observed in the ICSL laboratory as part of a predisposition screen in an ostensibly healthy population. It had not been previously curated by ICSL or reported in the Human Gene Mutation Database (HGMD: prior to June 1st, 2018), and was therefore a candidate for classification through an automated scoring system. Utilizing variant allele frequency, disease prevalence and penetrance estimates, and inheritance mode, an automated score was calculated to assess if this variant is too frequent to cause the disease. Based on the score and internal cut-off values, a variant classified as benign is not then subjected to further curation. The score for this variant resulted in a classification of benign for this disease.

GeneDx
Classification: Benign. Last evaluated: 2016-03-03. Review status: criteria provided, single submitter. Criteria: GeneDx Variant Classification (06012015). Collection method: clinical testing. Allele origin: germline. Affected: yes.
Comment: This variant is considered likely benign or benign based on one or more of the following criteria: it is a conservative change, it occurs at a poorly conserved position in the protein, it is predicted to be benign by multiple in silico algorithms, and/or has population frequency not consistent with disease.

Breakthrough Genomics
Classification: Benign. Review status: criteria provided, single submitter. Criteria: ACMG Guidelines, 2015. Collection method: not provided. Allele origin: germline. Inheritance: Autosomal recessive inheritance. Affected: yes.

PreventionGenetics, part of Exact Sciences
Classification: Benign. Review status: criteria provided, single submitter. Criteria: ACMG Guidelines, 2015. Collection method: clinical testing. Allele origin: germline.

NM_147127.5(EVC2):c.688A>G (p.Ser230Gly)

Gene: EVC2 (EvC ciliary complex subunit 2; minus strand). Cytogenetic location: 4p16.2.
Variant type: single nucleotide variant.
Coding change: c.688A>G on transcript NM_147127.5 (MANE Select); coding-DNA position 688, A replaced by G.
Protein change: p.Ser230Gly; replaces serine 230 with glycine.
Molecular consequence: missense variant.
Genome position (GRCh38, 1-based): chr4:5,689,175, T>C on the plus strand (A>G on the coding strand, the complement: EVC2 is on the minus strand). VCF-style: chr4-5689175-T-C. GRCh37 (hg19) VCF-style: chr4-5690902-T-C.
Other names: c.448A>G, p.Ser150Gly (NM_001166136.2); short protein forms S230G, S150G.
Identifiers: ClinVar variation 262620 (VCV000262620.21), dbSNP rs4689278, ClinGen allele CA2835370.
Genomic context (GRCh38, chr4:5,689,175, plus strand): 5'-TTCTCATTTGTCATCCCTGACTTCAGAACGCTTTGCTGTTACCTTGCAGAAACTTCTTGC[T>C]AAAAGCCTGGAATCCTTCCGAGGTCCTGTTTCCCACAGAGTCCCAAATGGTGAGACCAGC-3'
Protein context (NP_667338.3, residues 220-240): NRTSEGFQAF[Ser230Gly]KKFLQVGDAF